The following is an entry in ClinVar:

ClinVar aggregate classification (germline): Uncertain significance (1 of 4 stars; one submission).

Conditions:
Primary ciliary dyskinesia. Also called: Ciliary dyskinesia. Identifiers: Orphanet 244, MedGen C0008780, MONDO:0016575, HP:0012265.

Allele frequency attached by ClinVar (database versions not stated): ExAC 0.00002; gnomAD exomes 0.00005.
gnomAD v4.1: 68 of 1,614,066 alleles (0.0042%); highest among the groups gnomAD compares: Non-Finnish European, 0.0057%; no homozygotes.

Submission:

Labcorp Genetics (formerly Invitae), Labcorp
Classification: Uncertain significance for Primary ciliary dyskinesia. Last evaluated: 2022-04-15. Review status: criteria provided, single submitter. Criteria: Invitae Variant Classification Sherloc (09022015). Collection method: clinical testing. Allele origin: germline.
Comment: This sequence change replaces cysteine, which is neutral and slightly polar, with arginine, which is basic and polar, at codon 688 of the DNAH8 protein (p.Cys688Arg). This variant is present in population databases (rs762629034, gnomAD 0.004%). This variant has not been reported in the literature in individuals affected with DNAH8-related conditions. Algorithms developed to predict the effect of missense changes on protein structure and function are either unavailable or do not agree on the potential impact of this missense change (SIFT: "Deleterious"; PolyPhen-2: "Not Available"; Align-GVGD: "Class C0"). In summary, the available evidence is currently insufficient to determine the role of this variant in disease. Therefore, it has been classified as a Variant of Uncertain Significance.

NM_001206927.2(DNAH8):c.2062T>C (p.Cys688Arg)

Gene: DNAH8 (dynein axonemal heavy chain 8; plus strand). Cytogenetic location: 6p21.2.
Variant type: single nucleotide variant.
Coding change: c.2062T>C on transcript NM_001206927.2 (MANE Select); coding-DNA position 2062, T replaced by C.
Protein change: p.Cys688Arg; replaces cysteine 688 with arginine.
Molecular consequence: missense variant.
Genome position (GRCh38, 1-based): chr6:38,779,988, T>C. VCF-style: chr6-38779988-T-C. GRCh37 (hg19) VCF-style: chr6-38747764-T-C.
Other names: c.1411T>C, p.Cys471Arg (NM_001371.4); short protein forms C688R, C471R.
Identifiers: ClinVar variation 2041477 (VCV002041477.2), dbSNP rs762629034, ClinGen allele CA3788404.